The following is an entry in ClinVar:

ClinVar aggregate classification (germline): Uncertain significance (1 of 4 stars; one submission).

gnomAD v4.1: 6 of 1,609,754 alleles (0.00037%); highest among the groups gnomAD compares: South Asian, 0.0044%; no homozygotes.

Submission:

Labcorp Genetics (formerly Invitae), Labcorp
Classification: Uncertain significance. Last evaluated: 2025-12-26. Review status: criteria provided, single submitter. Criteria: Invitae Variant Classification Sherloc (09022015). Collection method: clinical testing. Allele origin: germline.
Comment: This sequence change replaces threonine, which is neutral and polar, with alanine, which is neutral and non-polar, at codon 177 of the STAT4 protein (p.Thr177Ala). This variant is present in population databases (rs758709109, gnomAD 0.007%). This variant has not been reported in the literature in individuals affected with STAT4-related conditions. Invitae Evidence Modeling of protein sequence and biophysical properties (such as structural, functional, and spatial information, amino acid conservation, physicochemical variation, residue mobility, and thermodynamic stability) indicates that this missense variant is not expected to disrupt STAT4 protein function with a negative predictive value of 80%. In summary, the available evidence is currently insufficient to determine the role of this variant in disease. Therefore, it has been classified as a Variant of Uncertain Significance.

NM_003151.4(STAT4):c.529A>G (p.Thr177Ala)

Gene: STAT4 (signal transducer and activator of transcription 4; minus strand). Cytogenetic location: 2q32.2.
Variant type: single nucleotide variant.
Coding change: c.529A>G on transcript NM_003151.4 (MANE Select); coding-DNA position 529, A replaced by G.
Protein change: p.Thr177Ala; replaces threonine 177 with alanine.
Molecular consequence: missense variant.
Genome position (GRCh38, 1-based): chr2:191,069,708, T>C on the plus strand (A>G on the coding strand, the complement: STAT4 is on the minus strand). VCF-style: chr2-191069708-T-C. GRCh37 (hg19) VCF-style: chr2-191934434-T-C.
Other names: c.529A>G, p.Thr177Ala (NM_001243835.2); short protein forms T177A.
Identifiers: ClinVar variation 4810186 (VCV004810186.1).